The following is an entry in ClinVar:

NM_005267.5(GJA8):c.71T>A (p.Val24Asp)

Gene: GJA8 (gap junction protein alpha 8; plus strand). Cytogenetic location: 1q21.2.
Variant type: single nucleotide variant.
Coding change: c.71T>A on transcript NM_005267.5 (MANE Select); coding-DNA position 71, T replaced by A.
Protein change: p.Val24Asp; replaces valine 24 with aspartic acid.
Molecular consequence: missense variant.
Genome position (GRCh38, 1-based): chr1:147,908,026, T>A. VCF-style: chr1-147908026-T-A. GRCh37 (hg19) VCF-style: chr1-147380153-T-A.
Other names: short protein forms V24D.
Identifiers: ClinVar variation 1800689 (VCV001800689.2), dbSNP rs2524888578, ClinGen allele CA342223000.
Genomic context (GRCh38, chr1:147,908,026, plus strand): 5'-GGAGTTTCCTGGGGAACATCTTGGAGGAGGTGAATGAGCACTCCACCGTCATCGGCAGAG[T>A]CTGGCTCACCGTGCTTTTCATCTTCCGGATCCTCATCCTTGGCACGGCCGCAGAGTTCGT-3'
Protein context (NP_005258.2, residues 14-34): VNEHSTVIGR[Val24Asp]WLTVLFIFRI

ClinVar aggregate classification (germline): Uncertain significance (1 of 4 stars; one submission).

Submission:

GeneDx
Classification: Uncertain significance. Last evaluated: 2025-03-24. Review status: criteria provided, single submitter. Criteria: GeneDx Variant Classification Process June 2021. Collection method: clinical testing. Allele origin: germline.
Comment: Not observed at significant frequency in large population cohorts (gnomAD); In silico analysis supports that this missense variant has a deleterious effect on protein structure/function; Has not been previously published as pathogenic or benign to our knowledge